The following is an entry in ClinVar:

ClinVar aggregate classification (germline): Conflicting classifications of pathogenicity. Review status: criteria provided, conflicting classifications (1 of 4 stars). 2 submissions from 2 submitters: Pathogenic (1); Uncertain significance (1). Last evaluated 2024-09-30.

Conditions:
Joubert syndrome. Also called: Familial aplasia of the vermis; JOUBERT-BOLTSHAUSER SYNDROME. Identifiers: Orphanet 475, MedGen C5979921, MONDO:0018772.

Allele frequency attached by ClinVar (database versions not stated): gnomAD exomes below 0.00001 and 0.00001; TOPMed 0.00001.

Submissions (2):

Blueprint Genetics
Classification: Uncertain significance. Last evaluated: 2024-09-30. Review status: criteria provided, single submitter. Criteria: ACMG Guidelines, 2015. Collection method: clinical testing. Allele origin: germline.

Labcorp Genetics (formerly Invitae), Labcorp
Classification: Pathogenic for Joubert syndrome. Last evaluated: 2024-03-03. Review status: criteria provided, single submitter. Criteria: Invitae Variant Classification Sherloc (09022015). Collection method: clinical testing. Allele origin: germline.
Comment: This sequence change affects codon 702 of the AHI1 mRNA. It is a 'silent' change, meaning that it does not change the encoded amino acid sequence of the AHI1 protein. This variant is present in population databases (no rsID available, gnomAD 0.0009%). This variant has been observed in individual(s) with clinical features of Joubert syndrome (PMID: 34205586; Invitae). In at least one individual the data is consistent with being in trans (on the opposite chromosome) from a pathogenic variant. ClinVar contains an entry for this variant (Variation ID: 461743). Algorithms developed to predict the effect of sequence changes on RNA splicing suggest that this variant may disrupt the consensus splice site. For these reasons, this variant has been classified as Pathogenic.

Literature cited by the submitters: PubMed 34205586 (cited by Labcorp Genetics (formerly Invitae), Labcorp).

NM_001134831.2(AHI1):c.2106G>A (p.Thr702=)

Gene: AHI1 (Abelson helper integration site 1; minus strand). Cytogenetic location: 6q23.3.
Variant type: single nucleotide variant.
Coding change: c.2106G>A on transcript NM_001134831.2 (MANE Select); coding-DNA position 2106, G replaced by A.
Protein change: p.Thr702=; no amino-acid change (threonine 702 retained).
Molecular consequence: synonymous variant.
Genome position (GRCh38, 1-based): chr6:135,433,187, C>T on the plus strand (G>A on the coding strand, the complement: AHI1 is on the minus strand). VCF-style: chr6-135433187-C-T. GRCh37 (hg19) VCF-style: chr6-135754325-C-T.
Other names: c.2106G>A, p.Thr702= (NM_001134830.2, NM_001134832.2, NM_001350503.2 and 2 more transcripts).
Identifiers: ClinVar variation 461743 (VCV000461743.10), dbSNP rs1276908141, ClinGen allele CA452214747.